The following is an entry in ClinVar:

NM_015267.4(CUX2):c.2508C>A (p.Asp836Glu)

Gene: CUX2 (cut like homeobox 2; plus strand). Cytogenetic location: 12q24.12.
Variant type: single nucleotide variant.
Coding change: c.2508C>A on transcript NM_015267.4 (MANE Select); coding-DNA position 2508, C replaced by A.
Protein change: p.Asp836Glu; replaces aspartic acid 836 with glutamic acid.
Molecular consequence: missense variant.
Genome position (GRCh38, 1-based): chr12:111,320,517, C>A. VCF-style: chr12-111320517-C-A. GRCh37 (hg19) VCF-style: chr12-111758321-C-A.
Other names: c.2508C>A (NM_015267.3); c.2322C>A, p.Asp774Glu (NM_001370598.1); short protein forms D774E, D836E.
Identifiers: ClinVar variation 2582908 (VCV002582908.25), dbSNP rs752296936, ClinGen allele CA6788893.

ClinVar aggregate classification (germline): Likely benign. Review status: criteria provided, multiple submitters, no conflicts (2 of 4 stars). 2 submissions from 2 submitters: Likely benign (2). Last evaluated 2025-05-23.

Conditions:
Inborn genetic diseases. Identifiers: MedGen C0950123, MeSH D030342.

Allele frequency attached by ClinVar (database versions not stated): TOPMed 0.00004; gnomAD 0.00005; ExAC 0.00007.
gnomAD v4.1: 18 of 1,571,154 alleles (0.0011%); highest among the groups gnomAD compares: East Asian, 0.032%; no homozygotes.

Submissions (2):

Ambry Genetics
Classification: Likely benign for Inborn genetic diseases. Last evaluated: 2025-05-23. Review status: criteria provided, single submitter. Criteria: Ambry Variant Classification Scheme 2023. Collection method: clinical testing. Allele origin: germline.

CeGaT Center for Human Genetics Tuebingen
Classification: Likely benign. Last evaluated: 2023-09-01. Review status: criteria provided, single submitter. Criteria: CeGaT Center For Human Genetics Tuebingen Variant Classification Criteria Version 2. Collection method: clinical testing. Allele origin: germline. Affected: yes. Observed: 1 variant allele.
Comment: CUX2: BS1